The following is an entry in ClinVar:

NM_001277115.2(DNAH11):c.8059A>G (p.Ile2687Val)

Gene: DNAH11 (dynein axonemal heavy chain 11; plus strand). Cytogenetic location: 7p15.3.
Variant type: single nucleotide variant.
Coding change: c.8059A>G on transcript NM_001277115.2 (MANE Select); coding-DNA position 8059, A replaced by G.
Protein change: p.Ile2687Val; replaces isoleucine 2687 with valine.
Molecular consequence: missense variant.
Genome position (GRCh38, 1-based): chr7:21,742,071, A>G. VCF-style: chr7-21742071-A-G. GRCh37 (hg19) VCF-style: chr7-21781689-A-G.
Other names: short protein forms I2687V.
Identifiers: ClinVar variation 840566 (VCV000840566.13), dbSNP rs777290108, ClinGen allele CA155115836.

ClinVar aggregate classification (germline): Conflicting classifications of pathogenicity. Review status: criteria provided, conflicting classifications (1 of 4 stars). 3 submissions from 3 submitters: Uncertain significance (2); Likely benign (1). Last evaluated 2023-12-20.

Conditions:
Primary ciliary dyskinesia. Also called: Ciliary dyskinesia. Identifiers: Orphanet 244, MedGen C0008780, MONDO:0016575, HP:0012265.

Allele frequency attached by ClinVar (database versions not stated): gnomAD exomes 0.00001 and 0.00003.
gnomAD v4.1: 44 of 1,613,976 alleles (0.0027%); highest among the groups gnomAD compares: Non-Finnish European, 0.0036%; no homozygotes.

Submissions (3):

Labcorp Genetics (formerly Invitae), Labcorp
Classification: Likely benign for Primary ciliary dyskinesia. Last evaluated: 2023-12-20. Review status: criteria provided, single submitter. Criteria: Invitae Variant Classification Sherloc (09022015). Collection method: clinical testing. Allele origin: germline.

Ambry Genetics
Classification: Uncertain significance for Primary ciliary dyskinesia. Last evaluated: 2023-09-19. Review status: criteria provided, single submitter. Criteria: Ambry Variant Classification Scheme 2023. Collection method: clinical testing. Allele origin: germline.

GeneDx
Classification: Uncertain significance. Last evaluated: 2019-02-25. Review status: criteria provided, single submitter. Criteria: GeneDx Variant Classification Process June 2021. Collection method: clinical testing. Allele origin: germline. Affected: yes.
Comment: Not observed at a significant frequency in large population cohorts (Lek et al., 2016); In silico analysis, which includes protein predictors and evolutionary conservation, supports that this variant does not alter protein structure/function; Has not been previously published as pathogenic or benign to our knowledge